The following is an entry in ClinVar:

NM_004447.6(EPS8):c.2455G>A (p.Gly819Arg)

Gene: EPS8 (EGFR pathway substrate 8, signaling adaptor; minus strand). Cytogenetic location: 12p12.3.
Variant type: single nucleotide variant.
Coding change: c.2455G>A on transcript NM_004447.6 (MANE Select); coding-DNA position 2455, G replaced by A.
Protein change: p.Gly819Arg; replaces glycine 819 with arginine.
Molecular consequence: missense variant.
Genome position (GRCh38, 1-based): chr12:15,621,331, C>T on the plus strand (G>A on the coding strand, the complement: EPS8 is on the minus strand). VCF-style: chr12-15621331-C-T. GRCh37 (hg19) VCF-style: chr12-15774265-C-T.
Other names: short protein forms G819R.
Identifiers: ClinVar variation 1314828 (VCV001314828.7), dbSNP rs764936537, ClinGen allele CA6467257.

ClinVar aggregate classification (germline): Uncertain significance. Review status: criteria provided, multiple submitters, no conflicts (2 of 4 stars). 2 submissions from 2 submitters: Uncertain significance (2). Last evaluated 2024-10-09.

Allele frequency attached by ClinVar (database versions not stated): gnomAD exomes below 0.00001; ExAC 0.00001; gnomAD 0.00001; TOPMed 0.00001.

Submissions (2):

Labcorp Genetics (formerly Invitae), Labcorp
Classification: Uncertain significance. Last evaluated: 2024-10-09. Review status: criteria provided, single submitter. Criteria: Invitae Variant Classification Sherloc (09022015). Collection method: clinical testing. Allele origin: germline.
Comment: This sequence change replaces glycine, which is neutral and non-polar, with arginine, which is basic and polar, at codon 819 of the EPS8 protein (p.Gly819Arg). This variant is present in population databases (rs764936537, gnomAD 0.004%). This variant has not been reported in the literature in individuals affected with EPS8-related conditions. ClinVar contains an entry for this variant (Variation ID: 1314828). An algorithm developed to predict the effect of missense changes on protein structure and function (PolyPhen-2) suggests that this variant is likely to be disruptive. In summary, the available evidence is currently insufficient to determine the role of this variant in disease. Therefore, it has been classified as a Variant of Uncertain Significance.

GeneDx
Classification: Uncertain significance. Last evaluated: 2021-12-14. Review status: criteria provided, single submitter. Criteria: GeneDx Variant Classification Process June 2021. Collection method: clinical testing. Allele origin: germline. Affected: yes.
Comment: Not observed at significant frequency in large population cohorts (gnomAD); In silico analysis supports that this missense variant does not alter protein structure/function; Has not been previously published as pathogenic or benign to our knowledge